The following is an entry in ClinVar:

ClinVar aggregate classification (germline): Uncertain significance (1 of 4 stars; one submission).

Conditions:
Hereditary cancer-predisposing syndrome. Also called: Neoplastic Syndromes, Hereditary; Tumor predisposition; Hereditary Cancer Syndrome; Hereditary neoplastic syndrome. Identifiers: Orphanet 140162, MedGen C0027672, MeSH D009386, MONDO:0015356.

Submission:

Ambry Genetics
Classification: Uncertain significance for Hereditary cancer-predisposing syndrome. Last evaluated: 2021-11-30. Review status: criteria provided, single submitter. Criteria: Ambry Variant Classification Scheme 2023. Collection method: clinical testing. Allele origin: germline.
Comment: The p.S341F variant (also known as c.1022C>T), located in coding exon 4 of the MSH6 gene, results from a C to T substitution at nucleotide position 1022. The serine at codon 341 is replaced by phenylalanine, an amino acid with highly dissimilar properties. This amino acid position is not well conserved in available vertebrate species. In addition, the in silico prediction for this alteration is inconclusive. Since supporting evidence is limited at this time, the clinical significance of this alteration remains unclear.

NM_000179.3(MSH6):c.1022C>T (p.Ser341Phe)

Gene: MSH6 (mutS homolog 6; plus strand). Cytogenetic location: 2p16.3.
Variant type: single nucleotide variant.
Coding change: c.1022C>T on transcript NM_000179.3 (MANE Select); coding-DNA position 1022, C replaced by T.
Protein change: p.Ser341Phe; replaces serine 341 with phenylalanine.
Molecular consequence: missense variant.
Genome position (GRCh38, 1-based): chr2:47,799,005, C>T. VCF-style: chr2-47799005-C-T. GRCh37 (hg19) VCF-style: chr2-48026144-C-T.
Other names: c.632C>T, p.Ser211Phe (NM_001281492.2); c.116C>T, p.Ser39Phe (NM_001281493.2, NM_001281494.2, NM_001406811.1 and 6 more transcripts); c.1118C>T, p.Ser373Phe (NM_001406795.1, NM_001406802.1); c.1022C>T, p.Ser341Phe (NM_001406796.1, NM_001406798.1, NM_001406800.1 and 4 more transcripts); c.725C>T, p.Ser242Phe (NM_001406797.1, NM_001406801.1, NM_001406805.1 and 10 more transcripts); c.497C>T, p.Ser166Phe (NM_001406799.1, NM_001406806.1, NM_001406807.1); c.944C>T, p.Ser315Phe (NM_001406804.1); c.1028C>T, p.Ser343Phe (NM_001406813.1); and 1 more; short protein forms S315F, S341F, S211F, S285F, S39F, S166F, S242F, S343F.
Identifiers: ClinVar variation 1763658 (VCV001763658.2), dbSNP rs766202031, ClinGen allele CA346741347.